The following is an entry in ClinVar:

NM_000088.4(COL1A1):c.4005+5G>A

Gene: COL1A1 (collagen type I alpha 1 chain; minus strand). Cytogenetic location: 17q21.33.
Variant type: single nucleotide variant.
Coding change: c.4005+5G>A on transcript NM_000088.4 (MANE Select); 5 bases into the intron after coding-DNA position 4005, G replaced by A.
Molecular consequence: intron variant.
Genome position (GRCh38, 1-based): chr17:50,186,312, C>T on the plus strand (G>A on the coding strand, the complement: COL1A1 is on the minus strand). VCF-style: chr17-50186312-C-T. GRCh37 (hg19) VCF-style: chr17-48263673-C-T.
Identifiers: ClinVar variation 444409 (VCV000444409.74), dbSNP rs778417218, ClinGen allele CA8644297.

ClinVar aggregate classification (germline): Conflicting classifications of pathogenicity. Review status: criteria provided, conflicting classifications (1 of 4 stars). 10 submissions from 10 submitters: Uncertain significance (7); Benign (1); Likely benign (2). Last evaluated 2026-06-11.

Conditions:
Ehlers-Danlos syndrome (EDS). Identifiers: Orphanet 98249, MedGen C0013720, MONDO:0020066.
Osteogenesis imperfecta type I (OI1). Also called: Osteogenesis imperfecta type 1; Lobstein's Disease; OI, TYPE I; OSTEOGENESIS IMPERFECTA TARDA; OSTEOGENESIS IMPERFECTA WITH BLUE SCLERAE; Lobstein disease. Identifiers: Orphanet 216796, Orphanet 666, MedGen C0023931, MONDO:0008146, OMIM 166200. Disease mechanism: loss of function.
Osteogenesis imperfecta with normal sclerae, dominant form (OI4). Also called: Osteogenesis imperfecta type 4; OSTEOGENESIS IMPERFECTA WITH NORMAL SCLERAE; Common Variable Osteogenesis Imperfecta with Normal Sclerae; Osteogenesis Imperfecta Type IV; OSTEOGENESIS IMPERFECTA, TYPE IV, WITH DENTINOGENESIS IMPERFECTA. Identifiers: Orphanet 216820, Orphanet 666, MedGen C0268363, MONDO:0008148, OMIM 166220.
Ehlers-Danlos syndrome, arthrochalasia type. Also called: ARTHROCHALASIS MULTIPLEX CONGENITA; Ehlers-Danlos syndrome, arthrochalasis type; Ehlers-Danlos syndrome, arthrochalasia type, 1; EDS VII, MUTANT PROCOLLAGEN TYPE; EDS VIIA. Identifiers: Orphanet 1899, Orphanet 99875, Orphanet 99876, MedGen C4551623, MONDO:0007525, OMIM 130060.
Combined osteogenesis imperfecta and Ehlers-Danlos syndrome 1. Also called: OIEDS SYNDROME 1. Identifiers: MedGen C5436842, MONDO:0030854, OMIM 619115.
Osteogenesis imperfecta, perinatal lethal (OI2). Also called: Osteogenesis imperfecta type 2; Osteogenesis imperfecta, dominant perinatal lethal; OI, TYPE II; OSTEOGENESIS IMPERFECTA CONGENITA; OSTEOGENESIS IMPERFECTA, TYPE II; VROLIK TYPE OF OSTEOGENESIS IMPERFECTA. Identifiers: Orphanet 216804, MedGen C0268358, MONDO:0008147, OMIM 166210.
Osteogenesis imperfecta type III (OI3). Also called: Osteogenesis imperfecta type 3; OI type 3; Osteogenesis imperfecta, progressively deforming with normal sclerae; OI type III; Progressively Deforming Osteogenesis Imperfecta. Identifiers: Orphanet 216812, Orphanet 666, MedGen C0268362, MONDO:0009804, OMIM 259420.
Infantile cortical hyperostosis. Also called: Caffey Disease; P1PK BLOOD GROUP SYSTEM, P(2) PHENOTYPE; Hyperostosis, Cortical, Congenital. Identifiers: Orphanet 1310, MedGen C0020497, MONDO:0007244, OMIM 114000.
Osteoporosis. Identifiers: MedGen C0029456, MONDO:0005298, OMIM 166710, HP:0000939.
COL1A1-related disorder. Also called: COL1A1- related disease; COL1A1-related condition.
Cardiovascular phenotype. Identifiers: MedGen CN230736.

Allele frequency attached by ClinVar (database versions not stated): gnomAD 0.00006; gnomAD exomes 0.00006; ExAC 0.00007; TOPMed 0.00008.

Submissions (11):

PreventionGenetics, part of Exact Sciences
Classification: Likely benign for COL1A1-related condition. Last evaluated: 2026-06-11. Review status: criteria provided, single submitter. Criteria: ACMG Guidelines, 2015. Collection method: clinical testing. Allele origin: germline.
Comment: This variant is classified as likely benign based on ACMG/AMP sequence variant interpretation guidelines (Richards et al. 2015 PMID: 25741868, with internal and published modifications).

Labcorp Genetics (formerly Invitae), Labcorp
Classification: Uncertain significance for Osteogenesis imperfecta type I. Last evaluated: 2025-12-23. Review status: criteria provided, single submitter. Criteria: Invitae Variant Classification Sherloc (09022015). Collection method: clinical testing. Allele origin: germline.
Comment: This sequence change falls in intron 49 of the COL1A1 gene. It does not directly change the encoded amino acid sequence of the COL1A1 protein. It affects a nucleotide within the consensus splice site. This variant is present in population databases (rs778417218, gnomAD 0.01%). This variant has been observed in individual(s) with COL1A1-related conditions (PMID: 25963598). ClinVar contains an entry for this variant (Variation ID: 444409). Variants that disrupt the consensus splice site are a relatively common cause of aberrant splicing (PMID: 17576681, 9536098). Algorithms developed to predict the effect of sequence changes on RNA splicing suggest that this variant is not likely to affect RNA splicing. In summary, the available evidence is currently insufficient to determine the role of this variant in disease. Therefore, it has been classified as a Variant of Uncertain Significance.

Ambry Genetics
Classification: Likely benign for Cardiovascular phenotype. Last evaluated: 2025-07-24. Review status: criteria provided, single submitter. Criteria: Ambry Variant Classification Scheme 2023. Collection method: clinical testing. Allele origin: germline.

Women's Health and Genetics/Laboratory Corporation of America, LabCorp
Classification: Benign. Last evaluated: 2025-04-09. Review status: criteria provided, single submitter. Criteria: LabCorp Variant Classification Summary - May 2015. Collection method: clinical testing. Allele origin: germline.
Comment: Variant summary: COL1A1 c.4005+5G>A alters a nucleotide located close to a canonical splice site and therefore could affect mRNA splicing, leading to a significantly altered protein sequence. Several computational tools predict a significant impact on normal splicing: One predicts the variant abolishes a 5' splicing donor site. Three predict the variant weakens a 5' donor site. However, these predictions have yet to be confirmed by functional studies. The variant allele was found at a frequency of 6e-05 in 251156 control chromosomes. The observed variant frequency is approximately 2 fold of the estimated maximal expected allele frequency for a pathogenic variant in COL1A1 causing Osteogenesis imperfecta type I phenotype (3e-05). c.4005+5G>A has been reported in the literature in one individual affected with Osteogenesis imperfecta type I (Schleit_2015). These data do not allow any conclusion about variant significance. To our knowledge, no experimental evidence demonstrating an impact on protein function has been reported. The following publication have been ascertained in the context of this evaluation (PMID: 25963598). ClinVar contains an entry for this variant (Variation ID: 444409). Based on the evidence outlined above, the variant was classified as benign.

Revvity Omics, Revvity
Classification: Uncertain significance. Last evaluated: 2023-04-21. Review status: criteria provided, single submitter. Criteria: ACMG Guidelines, 2015. Collection method: clinical testing. Allele origin: germline.

Fulgent Genetics
Classification: Uncertain significance for Infantile cortical hyperostosis; Ehlers-Danlos syndrome, arthrochalasia type; Osteogenesis imperfecta type I; Osteogenesis imperfecta, perinatal lethal; Osteogenesis imperfecta with normal sclerae, dominant form; Osteoporosis; Osteogenesis imperfecta type III; Combined osteogenesis imperfecta and Ehlers-Danlos syndrome 1. Last evaluated: 2022-02-23. Review status: criteria provided, single submitter. Criteria: ACMG Guidelines, 2015. Collection method: clinical testing. Allele origin: unknown.

Genome Diagnostics Laboratory, The Hospital for Sick Children
Classification: Uncertain significance for Ehlers-Danlos syndrome. Last evaluated: 2021-05-17. Review status: criteria provided, single submitter. Criteria: ACMG Guidelines, 2015. Collection method: clinical testing. Allele origin: germline.

Mayo Clinic Laboratories, Mayo Clinic
Classification: Uncertain significance. Last evaluated: 2021-05-13. Review status: criteria provided, single submitter. Criteria: ACMG Guidelines, 2015. Collection method: clinical testing. Allele origin: germline.

ARUP Laboratories, Molecular Genetics and Genomics, ARUP Laboratories
Classification: Uncertain significance. Last evaluated: 2019-06-27. Review status: criteria provided, single submitter. Criteria: ARUP Molecular Germline Variant Investigation Process. Collection method: clinical testing. Allele origin: germline.

CeGaT Center for Human Genetics Tuebingen
Classification: Uncertain significance. Last evaluated: 2017-06-01. Review status: criteria provided, single submitter. Criteria: CeGaT Center For Human Genetics Tuebingen Variant Classification Criteria Version 2. Collection method: clinical testing. Allele origin: germline. Affected: yes. Observed: 1 variant allele.

Dr. Peter K. Rogan Lab, Western University
No classification provided (evidence only). Condition: Clear cell carcinoma of kidney. Review status: no classification provided. Collection method: in vitro. Allele origin: not applicable. Functional consequence: retained intron. Not counted in ClinVar's aggregate classification.

Literature cited by the submitters: PubMed 25963598 (cited by 3 submitters); PubMed 17576681 (cited by Labcorp Genetics (formerly Invitae), Labcorp); PubMed 9536098 (cited by Labcorp Genetics (formerly Invitae), Labcorp).